The following is an entry in ClinVar:

ClinVar aggregate classification (germline): Conflicting classifications of pathogenicity. Review status: criteria provided, conflicting classifications (1 of 4 stars). 3 submissions from 3 submitters: Uncertain significance (2); Likely benign (1). Last evaluated 2024-02-22.

Conditions:
Hereditary cancer-predisposing syndrome. Also called: Hereditary Cancer Syndrome; Tumor predisposition; Hereditary neoplastic syndrome; Neoplastic Syndromes, Hereditary. Identifiers: Orphanet 140162, MedGen C0027672, MeSH D009386, MONDO:0015356.
Familial cancer of breast. Also called: hereditary breast carcinoma; Hereditary breast cancer; BREAST CANCER, FAMILIAL. Identifiers: Orphanet 227535, MedGen C0346153, MONDO:0016419, OMIM 114480. Disease mechanism: loss of function.

Allele frequency attached by ClinVar (database versions not stated): gnomAD exomes below 0.00001; TOPMed below 0.00001; gnomAD 0.00001.
gnomAD v4.1: 2 of 1,613,990 alleles (0.00012%); highest among the groups gnomAD compares: Non-Finnish European, 0.00017%; no homozygotes.

Submissions (3):

Ambry Genetics
Classification: Likely benign for Hereditary cancer-predisposing syndrome. Last evaluated: 2024-02-22. Review status: criteria provided, single submitter. Criteria: Ambry Variant Classification Scheme 2023. Collection method: clinical testing. Allele origin: germline.

Color Diagnostics, LLC DBA Color Health
Classification: Uncertain significance for Hereditary cancer-predisposing syndrome. Last evaluated: 2023-12-05. Review status: criteria provided, single submitter. Criteria: ACMG Guidelines, 2015. Collection method: clinical testing. Allele origin: germline.
Comment: This missense variant replaces threonine with alanine at codon 398 of the BARD1 protein. Computational prediction suggests that this variant may not impact protein structure and function (internally defined REVEL score threshold <= 0.5, PMID: 27666373). To our knowledge, functional studies have not been reported for this variant. This variant has not been reported in individuals affected with BARD1-related disorders in the literature. This variant has not been identified in the general population by the Genome Aggregation Database (gnomAD). The available evidence is insufficient to determine the role of this variant in disease conclusively. Therefore, this variant is classified as a Variant of Uncertain Significance.

Labcorp Genetics (formerly Invitae), Labcorp
Classification: Uncertain significance for Familial cancer of breast. Last evaluated: 2018-09-06. Review status: criteria provided, single submitter. Criteria: Invitae Variant Classification Sherloc (09022015). Collection method: clinical testing. Allele origin: germline.
Comment: This variant has not been reported in the literature in individuals with BARD1-related disease. Algorithms developed to predict the effect of missense changes on protein structure and function output the following: SIFT: "Tolerated"; PolyPhen-2: "Benign"; Align-GVGD: "Class C0". The alanine amino acid residue is found in multiple mammalian species, suggesting that this missense change does not adversely affect protein function. These predictions have not been confirmed by published functional studies and their clinical significance is uncertain. In summary, the available evidence is currently insufficient to determine the role of this variant in disease. Therefore, it has been classified as a Variant of Uncertain Significance. This variant is not present in population databases (ExAC no frequency). This sequence change replaces threonine with alanine at codon 398 of the BARD1 protein (p.Thr398Ala). The threonine residue is moderately conserved and there is a small physicochemical difference between threonine and alanine.

NM_000465.4(BARD1):c.1192A>G (p.Thr398Ala)

Gene: BARD1 (BRCA1 associated RING domain 1; minus strand). Cytogenetic location: 2q35.
Variant type: single nucleotide variant.
Coding change: c.1192A>G on transcript NM_000465.4 (MANE Select); coding-DNA position 1192, A replaced by G.
Protein change: p.Thr398Ala; replaces threonine 398 with alanine.
Molecular consequence: missense variant. On other transcripts: non-coding transcript variant (2), intron variant (3).
Genome position (GRCh38, 1-based): chr2:214,780,682, T>C on the plus strand (A>G on the coding strand, the complement: BARD1 is on the minus strand). VCF-style: chr2-214780682-T-C. GRCh37 (hg19) VCF-style: chr2-215645406-T-C.
Other names: c.1192A>G (NM_000465.2); c.1135A>G, p.Thr379Ala (NM_001282543.2); c.159-28127A>G (NM_001282548.2); c.215+16379A>G (NM_001282545.2); c.364+11615A>G (NM_001282549.2); short protein forms T398A, T379A.
Identifiers: ClinVar variation 645126 (VCV000645126.15), dbSNP rs1297661047, ClinGen allele CA350453800.